The following is an entry in ClinVar:

NM_002471.4(MYH6):c.3531del (p.Arg1178fs)

Gene: MYH6 (myosin heavy chain 6; minus strand). Cytogenetic location: 14q11.2.
Variant type: Deletion.
Coding change: c.3531del on transcript NM_002471.4 (MANE Select); coding-DNA position 3531, one base deleted (G; older notation c.3531delG).
Protein change: p.Arg1178fs; shifts the reading frame from arginine 1178.
Molecular consequence: frameshift variant.
Genome position (GRCh38, 1-based): chr14:23,390,258, C deleted on the plus strand (G on the coding strand, the reverse complement: MYH6 is on the minus strand); the first of 2 consecutive C bases (chr14:23,390,258-23,390,259); deleting either gives the same sequence. VCF-style (leftmost placement, unchanged base first): chr14-23390257-GC-G. GRCh37 (hg19) VCF-style: chr14-23859466-GC-G.
Other names: short protein forms R1178fs.
Identifiers: ClinVar variation 1395417 (VCV001395417.6), dbSNP rs778757030, ClinGen allele CA7115152.

ClinVar aggregate classification (germline): Uncertain significance (1 of 4 stars; one submission).

Conditions:
Hypertrophic cardiomyopathy 14. Identifiers: MedGen C2750467, MONDO:0013197, OMIM 613251.

Submission:

Labcorp Genetics (formerly Invitae), Labcorp
Classification: Uncertain significance for Hypertrophic cardiomyopathy 14. Last evaluated: 2022-08-15. Review status: criteria provided, single submitter. Criteria: Invitae Variant Classification Sherloc (09022015). Collection method: clinical testing. Allele origin: germline.
Comment: This variant has not been reported in the literature in individuals affected with MYH6-related conditions. This variant is present in population databases (rs778757030, gnomAD 0.003%). This sequence change creates a premature translational stop signal (p.Arg1178Glyfs*38) in the MYH6 gene. It is expected to result in an absent or disrupted protein product. However, the current clinical and genetic evidence is not sufficient to establish whether loss-of-function variants in MYH6 cause disease. In summary, the available evidence is currently insufficient to determine the role of this variant in disease. Therefore, it has been classified as a Variant of Uncertain Significance. ClinVar contains an entry for this variant (Variation ID: 1395417).